The following is an entry in ClinVar:

ClinVar aggregate classification (germline): Likely benign (1 of 4 stars; one submission).

Submission:

CeGaT Center for Human Genetics Tuebingen
Classification: Likely benign. Last evaluated: 2025-06-01. Review status: criteria provided, single submitter. Criteria: CeGaT Center For Human Genetics Tuebingen Variant Classification Criteria Version 2. Collection method: clinical testing. Allele origin: germline. Affected: yes. Observed: 1 variant allele.
Comment: ATP6V1A: PM2:Supporting, BP4, BP7

NM_001690.4(ATP6V1A):c.990A>G (p.Gly330=)

Gene: ATP6V1A (ATPase H+ transporting V1 subunit A; plus strand). Cytogenetic location: 3q13.31.
Variant type: single nucleotide variant.
Coding change: c.990A>G on transcript NM_001690.4 (MANE Select); coding-DNA position 990, A replaced by G.
Protein change: p.Gly330=; no amino-acid change (glycine 330 retained).
Molecular consequence: synonymous variant.
Genome position (GRCh38, 1-based): chr3:113,794,873, A>G. VCF-style: chr3-113794873-A-G. GRCh37 (hg19) VCF-style: chr3-113513720-A-G.
Identifiers: ClinVar variation 3906072 (VCV003906072.10).
Genomic context (GRCh38, chr3:113,794,873, plus strand): 5'-AAAAACAGGATTTTTATATGCTAGCATTGTAACTTATAATAATATTCTTCCCAATTTAGG[A>G]ATCACACTGTCAGAGTACTTCCGTGACATGGGCTATCATGTCAGTATGATGGCTGACTCT-3'
Protein context (NP_001681.2, residues 320-340): VAAREASIYT[Gly330=]ITLSEYFRDM